The following is an entry in ClinVar:

NM_000489.6(ATRX):c.2383G>A (p.Gly795Ser)

Gene: ATRX (ATRX chromatin remodeler; minus strand). Cytogenetic location: Xq21.1.
Variant type: single nucleotide variant.
Coding change: c.2383G>A on transcript NM_000489.6 (MANE Select); coding-DNA position 2383, G replaced by A.
Protein change: p.Gly795Ser; replaces glycine 795 with serine.
Molecular consequence: missense variant.
Genome position (GRCh38, 1-based): chrX:77,682,873, C>T on the plus strand (G>A on the coding strand, the complement: ATRX is on the minus strand). VCF-style: chrX-77682873-C-T. GRCh37 (hg19) VCF-style: chrX-76938365-C-T.
Other names: c.2269G>A, p.Gly757Ser (NM_138270.5); short protein forms G757S, G795S.
Identifiers: ClinVar variation 3606427 (VCV003606427.2).
Genomic context (GRCh38, chrX:77,682,873, plus strand): 5'-AAGACTCAGACTGGGTTTGTCGTTTCTTTTTAGAAATTATAGAGCTCTTAGCTGATTTGC[C>T]CTTTTTAGTATCAAAATCTGAGCCAGATGTAGAACTTTTTCGTTTCCTTTTTCCTTTATC-3'
Protein context (NP_000480.3, residues 785-805): TSGSDFDTKK[Gly795Ser]KSAKSSIISK

ClinVar aggregate classification (germline): Uncertain significance (1 of 4 stars; one submission).

Conditions:
Alpha thalassemia-X-linked intellectual disability syndrome (ATRX). Also called: ALPHA-THALASSEMIA/MENTAL RETARDATION SYNDROME, X-LINKED; ATR, NONDELETION TYPE; ATR-X syndrome; Alpha thalassemia mental retardation syndrome, nondeletion type, X-linked; XLMR hypotonic face syndrome; X-linked alpha-thalassemia-mental retardation syndrome. Identifiers: Orphanet 847, MedGen C1845055, MONDO:0010519, OMIM 301040.

Submission:

Labcorp Genetics (formerly Invitae), Labcorp
Classification: Uncertain significance for Alpha thalassemia-X-linked intellectual disability syndrome. Last evaluated: 2025-01-19. Review status: criteria provided, single submitter. Criteria: Invitae Variant Classification Sherloc (09022015). Collection method: clinical testing. Allele origin: germline.
Comment: This sequence change replaces glycine, which is neutral and non-polar, with serine, which is neutral and polar, at codon 795 of the ATRX protein (p.Gly795Ser). This variant is not present in population databases (gnomAD no frequency). This variant has not been reported in the literature in individuals affected with ATRX-related conditions. Invitae Evidence Modeling of protein sequence and biophysical properties (such as structural, functional, and spatial information, amino acid conservation, physicochemical variation, residue mobility, and thermodynamic stability) indicates that this missense variant is not expected to disrupt ATRX protein function with a negative predictive value of 95%. In summary, the available evidence is currently insufficient to determine the role of this variant in disease. Therefore, it has been classified as a Variant of Uncertain Significance.